The following is an entry in ClinVar:

ClinVar aggregate classification (germline): Uncertain significance (1 of 4 stars; one submission).

Submission:

Women's Health and Genetics/Laboratory Corporation of America, LabCorp
Classification: Uncertain significance. Last evaluated: 2023-09-20. Review status: criteria provided, single submitter. Criteria: LabCorp Variant Classification Summary - May 2015. Collection method: clinical testing. Allele origin: germline.
Comment: Variant summary: BCL11B c.1602_1628del27 (p.Asp534_Glu542del) results in an in-frame deletion that is predicted to remove nine amino acids from the encoded protein. The variant was absent in 69080 control chromosomes. The available data on variant occurrences in the general population are insufficient to allow any conclusion about variant significance. To our knowledge, no occurrence of c.1602_1628del27 in individuals affected with BCL11B-Related Disorders and no experimental evidence demonstrating its impact on protein function have been reported. No submitters have cited clinical-significance assessments for this variant to ClinVar after 2014. Based on the evidence outlined above, the variant was classified as uncertain significance.

NM_138576.4(BCL11B):c.1602_1628del (p.Asp534_Glu542del)

Gene: BCL11B (BCL11 transcription factor B; minus strand). Cytogenetic location: 14q32.2.
Variant type: Deletion.
Coding change: c.1602_1628del on transcript NM_138576.4 (MANE Select); coding-DNA positions 1602 to 1628, 27 bases deleted (CGAGGAGGAGGAGGAGGAGGAGGAGGA).
Protein change: p.Asp534_Glu542del.
Molecular consequence: inframe deletion.
Genome position (GRCh38, 1-based): chr14:99,175,208-99,175,234, TCCTCCTCCTCCTCCTCCTCCTCCTCG deleted on the plus strand (CGAGGAGGAGGAGGAGGAGGAGGAGGA on the coding strand, the reverse complement: BCL11B is on the minus strand); deleting any 27 consecutive bases within chr14:99,175,208-99,175,246 gives the same sequence; the c. name uses the placement nearest the transcript's 3' end. VCF-style (leftmost placement, unchanged base first): chr14-99175207-CTCCTCCTCCTCCTCCTCCTCCTCCTCG-C. GRCh37 (hg19) VCF-style: chr14-99641544-CTCCTCCTCCTCCTCCTCCTCCTCCTCG-C.
Other names: c.1599_1625del, p.Asp533_Glu541del (NM_001282237.2); c.1386_1412del, p.Asp462_Glu470del (NM_001282238.2); c.1389_1415del, p.Asp463_Glu471del (NM_022898.3).
Identifiers: ClinVar variation 2627289 (VCV002627289.1), dbSNP rs1383699038, ClinGen allele CA616578053.